The following is an entry in ClinVar:

NM_000179.3(MSH6):c.559A>G (p.Lys187Glu)

Gene: MSH6 (mutS homolog 6; plus strand). Cytogenetic location: 2p16.3.
Variant type: single nucleotide variant.
Coding change: c.559A>G on transcript NM_000179.3 (MANE Select); coding-DNA position 559, A replaced by G.
Protein change: p.Lys187Glu; replaces lysine 187 with glutamic acid.
Molecular consequence: missense variant. On other transcripts: intron variant (8), 5 prime UTR variant (2), non-coding transcript variant (5).
Genome position (GRCh38, 1-based): chr2:47,795,995, A>G. VCF-style: chr2-47795995-A-G. GRCh37 (hg19) VCF-style: chr2-48023134-A-G.
Other names: c.-279-2616A>G (NM_001406811.1, NM_001281493.2, NM_001406812.1 and 4 more transcripts); c.238-2616A>G (NM_001281492.2); c.-344A>G (NM_001281494.2); c.655A>G, p.Lys219Glu (NM_001406795.1, NM_001406802.1); c.559A>G, p.Lys187Glu (NM_001406796.1, NM_001406798.1, NM_001406800.1 and 5 more transcripts); c.262A>G, p.Lys88Glu (NM_001406797.1, NM_001406801.1, NM_001406805.1 and 10 more transcripts); c.34A>G, p.Lys12Glu (NM_001406799.1, NM_001406806.1, NM_001406807.1); c.481A>G, p.Lys161Glu (NM_001406804.1); and 3 more; short protein forms K131E, K161E, K219E, K12E, K88E, K189E, K187E.
Identifiers: ClinVar variation 3875108 (VCV003875108.1).

ClinVar aggregate classification (germline): Uncertain significance (1 of 4 stars; one submission).

Conditions:
Hereditary cancer-predisposing syndrome. Also called: Tumor predisposition; Neoplastic Syndromes, Hereditary; Hereditary Cancer Syndrome; Hereditary neoplastic syndrome. Identifiers: Orphanet 140162, MedGen C0027672, MeSH D009386, MONDO:0015356.

Submission:

Ambry Genetics
Classification: Uncertain significance for Hereditary cancer-predisposing syndrome. Last evaluated: 2025-03-10. Review status: criteria provided, single submitter. Criteria: Ambry Variant Classification Scheme 2023. Collection method: clinical testing. Allele origin: germline.
Comment: The p.K187E variant (also known as c.559A>G), located in coding exon 3 of the MSH6 gene, results from an A to G substitution at nucleotide position 559. The lysine at codon 187 is replaced by glutamic acid, an amino acid with similar properties. This amino acid position is conserved. In addition, this alteration is predicted to be tolerated by in silico analysis. Based on the available evidence, the clinical significance of this variant remains unclear.